The following is an entry in ClinVar:

ClinVar aggregate classification (germline): Uncertain significance. Review status: criteria provided, multiple submitters, no conflicts (2 of 4 stars). 2 submissions from 2 submitters: Uncertain significance (2). Last evaluated 2025-09-29.

Conditions:
Malignant hyperthermia, susceptibility to, 1 (MHS1). Also called: Malignant hyperthermia suceptibility 1; RYR1-Related Malignant Hyperthermia Susceptibility; Anesthesia related hyperthermia; Malignant hyperpyrexia; Fulminating hyperpyrexia; Pharmacogenic myopathy. Identifiers: Orphanet 423, MedGen C2930980, MONDO:0007783, OMIM 145600.

gnomAD v4.1: 1 of 1,614,090 alleles (0.000062%); highest among the groups gnomAD compares: African/African-American, 0.0013%; no homozygotes.

Submissions (2):

Color Diagnostics, LLC DBA Color Health
Classification: Uncertain significance for Malignant hyperthermia, susceptibility to, 1. Last evaluated: 2025-09-29. Review status: criteria provided, single submitter. Criteria: ACMG Guidelines, 2015. Collection method: clinical testing. Allele origin: germline.
Comment: This missense variant replaces glutamic acid with lysine at codon 3564 of the RYR1 protein. Computational prediction is inconclusive regarding the impact of this variant on protein structure and function. To our knowledge, functional studies have not been reported for this variant. This variant has not been reported in individuals affected with RYR1-related disorders in the literature. This variant has been identified in 1/1461740 chromosomes in the general population by the Genome Aggregation Database (gnomAD). The available evidence is insufficient to determine the role of this variant in disease conclusively. Therefore, this variant is classified as a Variant of Uncertain Significance.

Women's Health and Genetics/Laboratory Corporation of America, LabCorp
Classification: Uncertain significance. Last evaluated: 2024-07-17. Review status: criteria provided, single submitter. Criteria: LabCorp Variant Classification Summary - May 2015. Collection method: clinical testing. Allele origin: germline.
Comment: Variant summary: RYR1 c.10690G>A (p.Glu3564Lys) results in a conservative amino acid change in the encoded protein sequence. Three of five in-silico tools predict a damaging effect of the variant on protein function. The variant was absent in 250594 control chromosomes. The available data on variant occurrences in the general population are insufficient to allow any conclusion about variant significance. To our knowledge, no occurrence of c.10690G>A in individuals affected with Myopathy, RYR1-Associated and no experimental evidence demonstrating its impact on protein function have been reported. No submitters have cited clinical-significance assessments for this variant to ClinVar. Based on the evidence outlined above, the variant was classified as uncertain significance.

NM_000540.3(RYR1):c.10690G>A (p.Glu3564Lys)

Gene: RYR1 (ryanodine receptor 1; plus strand). Cytogenetic location: 19q13.2.
Variant type: single nucleotide variant.
Coding change: c.10690G>A on transcript NM_000540.3 (MANE Select); coding-DNA position 10690, G replaced by A.
Protein change: p.Glu3564Lys; replaces glutamic acid 3564 with lysine.
Molecular consequence: missense variant.
Genome position (GRCh38, 1-based): chr19:38,527,650, G>A. VCF-style: chr19-38527650-G-A. GRCh37 (hg19) VCF-style: chr19-39018290-G-A.
Other names: c.10675G>A, p.Glu3559Lys (NM_001042723.2); short protein forms E3559K, E3564K.
Identifiers: ClinVar variation 3339472 (VCV003339472.2).